The following is an entry in ClinVar:

ClinVar aggregate classification (germline): Uncertain significance (1 of 4 stars; one submission).

gnomAD v4.1: 87 of 1,350,060 alleles (0.0064%); highest among the groups gnomAD compares: South Asian, 0.12%; no homozygotes.

Submission:

GeneDx
Classification: Uncertain significance. Last evaluated: 2025-01-09. Review status: criteria provided, single submitter. Criteria: GeneDx Variant Classification Process June 2021. Collection method: clinical testing. Allele origin: germline. Affected: yes.
Comment: In silico analysis indicates that this missense variant does not alter protein structure/function; Has not been previously published as pathogenic or benign to our knowledge

NM_001292063.2(OTOG):c.94+10T>C

Gene: OTOG (otogelin; plus strand). Cytogenetic location: 11p15.1.
Variant type: single nucleotide variant.
Coding change: c.94+10T>C on transcript NM_001292063.2 (MANE Select); 10 bases into the intron after coding-DNA position 94, T replaced by C.
Molecular consequence: intron variant. On other transcripts: missense variant (1).
Genome position (GRCh38, 1-based): chr11:17,547,476, T>C. VCF-style: chr11-17547476-T-C. GRCh37 (hg19) VCF-style: chr11-17569023-T-C.
Other names: c.104T>C, p.Val35Ala (NM_001277269.2); short protein forms V35A.
Identifiers: ClinVar variation 4056856 (VCV004056856.1).